The following is an entry in ClinVar:

ClinVar aggregate classification (germline): Conflicting classifications of pathogenicity. Review status: criteria provided, conflicting classifications (1 of 4 stars). 4 submissions from 2 submitters: Uncertain significance (3); Likely benign (1). Last evaluated 2026-04-01.

Conditions:
Phosphoribosylpyrophosphate synthetase superactivity. Identifiers: Orphanet 3222, MedGen C1970827, MONDO:0010395, OMIM 300661.
Arts syndrome (ARTS). Also called: MENTAL RETARDATION, X-LINKED, SYNDROMIC 18; MENTAL RETARDATION, X-LINKED, SYNDROMIC, ARTS TYPE; ARTS SYNDROME AND PHOSPHORIBOSYLPYROPHOSPHATE SYNTHETASE SUPERACTIVITY. Identifiers: Orphanet 1187, MedGen C0796028, MONDO:0010533, OMIM 301835.
Hearing loss, X-linked 1 (DFNX1). Also called: DEAFNESS, X-LINKED 1; DFNX1 Nonsyndromic Hearing Loss and Deafness; DFNX1 Nonsyndromic Sensorineural Hearing Loss (DFN2); DEAFNESS, X-LINKED 2, SENSORINEURAL CONGENITAL. Identifiers: Orphanet 90625, MedGen C1844677, MONDO:0010577, OMIM 304500.

Allele frequency attached by ClinVar (database versions not stated): TOPMed 0.00048; 1000 Genomes Project 30x 0.00083.
gnomAD v4.1: 74 of 277,907 alleles (0.027%); highest among the groups gnomAD compares: African/African-American, 0.087%; no homozygotes.

Submissions (4):

CeGaT Center for Human Genetics Tuebingen
Classification: Likely benign. Last evaluated: 2026-04-01. Review status: criteria provided, single submitter. Criteria: CeGaT Center For Human Genetics Tuebingen Variant Classification Criteria Version 2. Collection method: clinical testing. Allele origin: germline. Affected: yes. Observed: 3 variant alleles.
Comment: PRPS1: BP4, BS2

Illumina Laboratory Services, Illumina
Classification: Uncertain significance for Hearing loss, X-linked 1. Last evaluated: 2018-01-13. Review status: criteria provided, single submitter. Criteria: ICSL Variant Classification Criteria 13 December 2019. Collection method: clinical testing. Allele origin: germline.

Illumina Laboratory Services, Illumina
Classification: Uncertain significance for Phosphoribosylpyrophosphate synthetase superactivity. Last evaluated: 2018-01-13. Review status: criteria provided, single submitter. Criteria: ICSL Variant Classification Criteria 13 December 2019. Collection method: clinical testing. Allele origin: germline.

Illumina Laboratory Services, Illumina
Classification: Uncertain significance for Arts syndrome. Last evaluated: 2018-01-13. Review status: criteria provided, single submitter. Criteria: ICSL Variant Classification Criteria 13 December 2019. Collection method: clinical testing. Allele origin: germline.

NM_002764.4(PRPS1):c.*539G>C

Gene: PRPS1 (phosphoribosyl pyrophosphate synthetase 1; plus strand). Cytogenetic location: Xq22.3.
Variant type: single nucleotide variant.
Coding change: c.*539G>C on transcript NM_002764.4 (MANE Select); 539 bases downstream of the stop codon, G replaced by C.
Molecular consequence: 3 prime UTR variant.
Genome position (GRCh38, 1-based): chrX:107,650,571, G>C. VCF-style: chrX-107650571-G-C. GRCh37 (hg19) VCF-style: chrX-106893801-G-C.
Other names: c.*539G>C (NM_001204402.2).
Identifiers: ClinVar variation 912516 (VCV000912516.12), dbSNP rs370453137, ClinGen allele CA333061531.